The following is an entry in ClinVar:

NM_000441.2(SLC26A4):c.424C>T (p.Pro142Ser)

Gene: SLC26A4 (solute carrier family 26 member 4; plus strand). Cytogenetic location: 7q22.3.
Variant type: single nucleotide variant.
Coding change: c.424C>T on transcript NM_000441.2 (MANE Select); coding-DNA position 424, C replaced by T.
Protein change: p.Pro142Ser; replaces proline 142 with serine.
Molecular consequence: missense variant.
Genome position (GRCh38, 1-based): chr7:107,674,172, C>T. VCF-style: chr7-107674172-C-T. GRCh37 (hg19) VCF-style: chr7-107314617-C-T.
Other names: short protein forms P142S.
Identifiers: ClinVar variation 1314132 (VCV001314132.5), dbSNP rs749325776, ClinGen allele CA4432475.

ClinVar aggregate classification (germline): Conflicting classifications of pathogenicity. Review status: criteria provided, conflicting classifications (1 of 4 stars). 3 submissions from 3 submitters: Likely pathogenic (2); Uncertain significance (1). Last evaluated 2025-07-09.

Conditions:
Autosomal recessive nonsyndromic hearing loss 4 (DFNB4). Also called: FOXI1-Related Pendred Syndrome; KCNJ10-Related Pendred Syndrome; DEAFNESS, AUTOSOMAL RECESSIVE 4, WITH ENLARGED VESTIBULAR AQUEDUCT, DIGENIC; NEUROSENSORY NONSYNDROMIC RECESSIVE DEAFNESS 4; Enlarged vestibular aqueduct, digenic; Nonsyndromic enlarged vestibular aqueduct (NSEVA). Identifiers: Orphanet 90636, MedGen C3538946, MONDO:0010933, OMIM 600791.
Pendred syndrome (PDS). Also called: DEAFNESS WITH GOITER; GOITER-DEAFNESS SYNDROME; HYPOTHYROIDISM, CONGENITAL, DUE TO DYSHORMONOGENESIS, 2B; THYROID DYSHORMONOGENESIS 2B; THYROID HORMONOGENESIS, GENETIC DEFECT IN, 2B; Pendred's syndrome. Identifiers: Orphanet 705, MedGen C0271829, MONDO:0010134, OMIM 274600.

Allele frequency attached by ClinVar (database versions not stated): gnomAD exomes below 0.00001; TOPMed below 0.00001; ExAC 0.00001.
gnomAD v4.1: 3 of 1,614,006 alleles (0.00019%); highest among the groups gnomAD compares: Middle Eastern, 0.033%; 1 homozygote.

Submissions (3):

First Genomix Gene Laboratory, Genetic Diagnostics Department
Classification: Likely pathogenic for Autosomal recessive nonsyndromic hearing loss 4; Pendred syndrome. Last evaluated: 2025-07-09. Review status: criteria provided, single submitter. Criteria: ACMG Guidelines, 2015. Collection method: clinical testing. Allele origin: germline. Inheritance: Autosomal recessive inheritance. Affected: no. Observed: 1 variant allele.

Laboratory of Prof. Karen Avraham, Tel Aviv University
Classification: Likely pathogenic for Autosomal recessive nonsyndromic hearing loss 4. Last evaluated: 2024-06-06. Review status: criteria provided, single submitter. Criteria: ACMG Guidelines, 2015. Collection method: research. Allele origin: germline. Affected: yes. Observed: 1 variant allele.
Comment: Homozygosity of a very rare variant in a known deafness gene, predicted deleterious by most prediction programs

DFNB4; high-tone normal-to-severe HL

GeneDx
Classification: Uncertain significance. Last evaluated: 2022-10-24. Review status: criteria provided, single submitter. Criteria: GeneDx Variant Classification Process June 2021. Collection method: clinical testing. Allele origin: germline. Affected: yes.
Comment: Not observed in large population cohorts (gnomAD); In silico analysis supports that this missense variant has a deleterious effect on protein structure/function; Has not been previously published as pathogenic or benign to our knowledge